The following is an entry in ClinVar:

NM_000179.3(MSH6):c.4002-7_4002-2del

Gene: MSH6 (mutS homolog 6; plus strand). Cytogenetic location: 2p16.3.
Variant type: Microsatellite.
Coding change: c.4002-7_4002-2del on transcript NM_000179.3 (MANE Select); 7 bases into the intron before coding-DNA position 4002 through the canonical splice acceptor site of the intron before coding-DNA position 4002, 6 bases deleted (TTTTAA; older notation c.4002-7_4002-2delTTTTAA).
Molecular consequence: splice acceptor variant.
Genome position (GRCh38, 1-based): chr2:47,806,772-47,806,777, TTTTAA deleted; deleting any 6 consecutive bases within chr2:47,806,766-47,806,777 gives the same sequence; the c. name uses the placement nearest the transcript's 3' end. VCF-style (leftmost placement, unchanged base first): chr2-47806765-TTTTTAA-T. GRCh37 (hg19) VCF-style: chr2-48033904-TTTTTAA-T.
Other names: c.3096-7_3096-2del (NM_001281493.2, NM_001281494.2); c.3612-7_3612-2del (NM_001281492.2).
Identifiers: ClinVar variation 1114040 (VCV001114040.10), dbSNP rs2104576184, ClinGen allele CA2580611345.

ClinVar aggregate classification (germline): Likely benign. Review status: criteria provided, multiple submitters, no conflicts (2 of 4 stars). 2 submissions from 2 submitters: Likely benign (2). Last evaluated 2025-07-21.

Conditions:
Lynch syndrome 5 (LYNCH5). Also called: Colorectal cancer, hereditary nonpolyposis, type 5; Hereditary non-polyposis colorectal cancer, type 5. Identifiers: Orphanet 144, MedGen C1833477, MONDO:0013710, OMIM 614350. Disease mechanism: loss of function.
Hereditary nonpolyposis colorectal neoplasms. Identifiers: MedGen C0009405, MeSH D003123.

Submissions (2):

Labcorp Genetics (formerly Invitae), Labcorp
Classification: Likely benign for Hereditary nonpolyposis colorectal neoplasms. Last evaluated: 2025-07-21. Review status: criteria provided, single submitter. Criteria: Invitae Variant Classification Sherloc (09022015). Collection method: clinical testing. Allele origin: germline.

Myriad Genetics, Inc.
Classification: Likely benign for Lynch syndrome 5. Last evaluated: 2025-01-09. Review status: criteria provided, single submitter. Criteria: Myriad Autosomal Dominant, Autosomal Recessive and X-Linked Classification Criteria (2023). Collection method: clinical testing. Allele origin: unknown.
Comment: This variant is considered likely benign. This variant is intronic and is not expected to impact mRNA splicing.